The following is an entry in ClinVar:

NM_007118.4(TRIO):c.4252A>G (p.Ile1418Val)

Gene: TRIO (trio Rho guanine nucleotide exchange factor; plus strand). Cytogenetic location: 5p15.2.
Variant type: single nucleotide variant.
Coding change: c.4252A>G on transcript NM_007118.4 (MANE Select); coding-DNA position 4252, A replaced by G.
Protein change: p.Ile1418Val; replaces isoleucine 1418 with valine.
Molecular consequence: missense variant. On other transcripts: non-coding transcript variant (1).
Genome position (GRCh38, 1-based): chr5:14,394,071, A>G. VCF-style: chr5-14394071-A-G. GRCh37 (hg19) VCF-style: chr5-14394180-A-G.
Other names: c.4252A>G (NM_007118.2); short protein forms I1418V.
Identifiers: ClinVar variation 727277 (VCV000727277.4), dbSNP rs1390231561, ClinGen allele CA359232833.

ClinVar aggregate classification (germline): Conflicting classifications of pathogenicity. Review status: criteria provided, conflicting classifications (1 of 4 stars). 2 submissions from 2 submitters: Uncertain significance (1); Likely benign (1). Last evaluated 2026-01-09.

Conditions:
Inborn genetic diseases. Identifiers: MedGen C0950123, MeSH D030342.

Allele frequency attached by ClinVar (database versions not stated): gnomAD exomes below 0.00001.
gnomAD v4.1: 1 of 1,613,388 alleles (0.000062%); no homozygotes.

Submissions (2):

Ambry Genetics
Classification: Uncertain significance for Inborn genetic diseases. Last evaluated: 2026-01-09. Review status: criteria provided, single submitter. Criteria: Ambry Variant Classification Scheme 2023. Collection method: clinical testing. Allele origin: germline.
Comment: The c.4252A>G (p.I1418V) alteration is located in exon 28 (coding exon 28) of the TRIO gene. This alteration results from a A to G substitution at nucleotide position 4252, causing the isoleucine (I) at amino acid position 1418 to be replaced by a valine (V). Based on data from gnomAD, the G allele has an overall frequency of <0.001% (1/251198) total alleles studied. The highest observed frequency was <0.001% (/) of alleles. Based on insufficient or conflicting evidence, the clinical significance of this alteration remains unclear.

Labcorp Genetics (formerly Invitae), Labcorp
Classification: Likely benign. Last evaluated: 2017-12-14. Review status: criteria provided, single submitter. Criteria: Invitae Variant Classification Sherloc (09022015). Collection method: clinical testing. Allele origin: germline.